The following is an entry in ClinVar:

NM_002617.4(PEX10):c.446C>G (p.Thr149Arg)

Gene: PEX10 (peroxisomal biogenesis factor 10; minus strand). Cytogenetic location: 1p36.32.
Variant type: single nucleotide variant.
Coding change: c.446C>G on transcript NM_002617.4 (MANE Select); coding-DNA position 446, C replaced by G.
Protein change: p.Thr149Arg; replaces threonine 149 with arginine.
Molecular consequence: missense variant. On other transcripts: non-coding transcript variant (1).
Genome position (GRCh38, 1-based): chr1:2,408,606, G>C on the plus strand (C>G on the coding strand, the complement: PEX10 is on the minus strand). VCF-style: chr1-2408606-G-C. GRCh37 (hg19) VCF-style: chr1-2340045-G-C.
Other names: c.446C>G, p.Thr149Arg (NM_001374425.1, NM_153818.2); c.14C>G, p.Thr5Arg (NM_001374426.1, NM_001374427.1); short protein forms T149R, T5R.
Identifiers: ClinVar variation 1409279 (VCV001409279.3), dbSNP rs764948458, ClinGen allele CA337987749.

ClinVar aggregate classification (germline): Uncertain significance (1 of 4 stars; one submission).

Conditions:
Peroxisome biogenesis disorder, complementation group 7 (CG7). Also called: Peroxisome biogenesis disorder, complementation group B. Identifiers: MedGen C1864399.

Submission:

Labcorp Genetics (formerly Invitae), Labcorp
Classification: Uncertain significance for Peroxisome biogenesis disorder, complementation group 7. Last evaluated: 2022-06-05. Review status: criteria provided, single submitter. Criteria: Invitae Variant Classification Sherloc (09022015). Collection method: clinical testing. Allele origin: germline.
Comment: This sequence change replaces threonine, which is neutral and polar, with arginine, which is basic and polar, at codon 149 of the PEX10 protein (p.Thr149Arg). This variant is not present in population databases (gnomAD no frequency). This variant has not been reported in the literature in individuals affected with PEX10-related conditions. ClinVar contains an entry for this variant (Variation ID: 1409279). Algorithms developed to predict the effect of missense changes on protein structure and function are either unavailable or do not agree on the potential impact of this missense change (SIFT: "Deleterious"; PolyPhen-2: "Possibly Damaging"; Align-GVGD: "Class C0"). Algorithms developed to predict the effect of sequence changes on RNA splicing suggest that this variant may create or strengthen a splice site. In summary, the available evidence is currently insufficient to determine the role of this variant in disease. Therefore, it has been classified as a Variant of Uncertain Significance.